The following is an entry in ClinVar:

ClinVar aggregate classification (germline): Benign. Review status: criteria provided, single submitter (1 of 4 stars). 2 submissions from 2 submitters: Benign (1). 1 of the submissions does not count toward it. Last evaluated 2018-07-15.

Conditions:
MASP2-related disorder. Also called: MASP2-related condition.

Allele frequency attached by ClinVar (database versions not stated): ESP Exome Variant Server 0.00008; gnomAD 0.00027; 1000 Genomes Project 0.00040; TOPMed 0.00096; ExAC 0.00135; gnomAD exomes 0.00166; 1000 Genomes Project 30x 0.00062.
gnomAD v4.1: 507 of 1,613,824 alleles (0.031%); highest among the groups gnomAD compares: Admixed American, 0.81%; 5 homozygotes.

Submissions (2):

Labcorp Genetics (formerly Invitae), Labcorp
Classification: Benign. Last evaluated: 2018-07-15. Review status: criteria provided, single submitter. Criteria: Invitae Variant Classification Sherloc (09022015). Collection method: clinical testing. Allele origin: germline.

PreventionGenetics, part of Exact Sciences
Classification: Benign for MASP2-related condition. Last evaluated: 2024-09-23. Review status: no assertion criteria provided. Collection method: clinical testing. Allele origin: germline. Not counted in ClinVar's aggregate classification.
Comment: This variant is classified as benign based on ACMG/AMP sequence variant interpretation guidelines (Richards et al. 2015 PMID: 25741868, with internal and published modifications).

NM_006610.4(MASP2):c.370G>A (p.Glu124Lys)

Gene: MASP2 (MBL associated serine protease 2; minus strand). Cytogenetic location: 1p36.22.
Variant type: single nucleotide variant.
Coding change: c.370G>A on transcript NM_006610.4 (MANE Select); coding-DNA position 370, G replaced by A.
Protein change: p.Glu124Lys; replaces glutamic acid 124 with lysine.
Molecular consequence: missense variant.
Genome position (GRCh38, 1-based): chr1:11,046,598, C>T on the plus strand (G>A on the coding strand, the complement: MASP2 is on the minus strand). VCF-style: chr1-11046598-C-T. GRCh37 (hg19) VCF-style: chr1-11106655-C-T.
Other names: c.370G>A, p.Glu124Lys (NM_139208.3); short protein forms E124K.
Identifiers: ClinVar variation 708053 (VCV000708053.4), dbSNP rs192007831, ClinGen allele CA587166.